The following is an entry in ClinVar:

NM_001283009.2(RTEL1):c.3871G>A (p.Val1291Ile)

Genes: RTEL1 (regulator of telomere elongation helicase 1; plus strand), RTEL1-TNFRSF6B (RTEL1-TNFRSF6B readthrough (NMD candidate); plus strand). Cytogenetic location: 20q13.33.
Variant type: single nucleotide variant.
Coding change: c.3871G>A on transcript NM_001283009.2 (MANE Select); coding-DNA position 3871, G replaced by A.
Protein change: p.Val1291Ile; replaces valine 1291 with isoleucine.
Molecular consequence: missense variant. On other transcripts: non-coding transcript variant (1), 3 prime UTR variant (3).
Genome position (GRCh38, 1-based): chr20:63,695,826, G>A. VCF-style: chr20-63695826-G-A. GRCh37 (hg19) VCF-style: chr20-62327179-G-A.
Other names: c.*41G>A (NM_001283010.1, NM_016434.4, NM_032957.5); short protein forms V1291I.
Identifiers: ClinVar variation 2140239 (VCV002140239.6), dbSNP rs544271988, ClinGen allele CA9966233.

ClinVar aggregate classification (germline): Conflicting classifications of pathogenicity. Review status: criteria provided, conflicting classifications (1 of 4 stars). 3 submissions from 3 submitters: Uncertain significance (2); Likely benign (1). Last evaluated 2024-11-21.

Conditions:
Inborn genetic diseases. Identifiers: MedGen C0950123, MeSH D030342.
Pulmonary fibrosis and/or bone marrow failure, Telomere-related, 3. Also called: PULMONARY FIBROSIS AND/OR BONE MARROW FAILURE SYNDROME, TELOMERE-RELATED, 3. Identifiers: Orphanet 2032, MedGen C4225346, MONDO:0014613, OMIM 616373.
Dyskeratosis congenita, autosomal recessive 5 (DKCB5). Identifiers: MedGen C3554656, MONDO:0014076, OMIM 615190.

Allele frequency attached by ClinVar (database versions not stated): TOPMed below 0.00001; gnomAD 0.00001; gnomAD exomes 0.00001; ExAC 0.00003; 1000 Genomes Project 30x 0.00016; 1000 Genomes Project 0.00020.
gnomAD v4.1: 16 of 1,599,294 alleles (0.001%); highest among the groups gnomAD compares: South Asian, 0.0023%; no homozygotes.

Submissions (3):

Ambry Genetics
Classification: Likely benign for Inborn genetic diseases. Last evaluated: 2024-11-21. Review status: criteria provided, single submitter. Criteria: Ambry Variant Classification Scheme 2023. Collection method: clinical testing. Allele origin: germline.

Labcorp Genetics (formerly Invitae), Labcorp
Classification: Uncertain significance for Dyskeratosis congenita, autosomal recessive 5; Pulmonary fibrosis and/or bone marrow failure, Telomere-related, 3. Last evaluated: 2024-08-05. Review status: criteria provided, single submitter. Criteria: Invitae Variant Classification Sherloc (09022015). Collection method: clinical testing. Allele origin: germline.
Comment: This sequence change replaces valine, which is neutral and non-polar, with isoleucine, which is neutral and non-polar, at codon 1291 of the RTEL1 protein (p.Val1291Ile). The frequency data for this variant in the population databases is considered unreliable, as metrics indicate poor data quality at this position in the gnomAD database. This variant has not been reported in the literature in individuals affected with RTEL1-related conditions. ClinVar contains an entry for this variant (Variation ID: 2140239). An algorithm developed to predict the effect of missense changes on protein structure and function (PolyPhen-2) suggests that this variant is likely to be tolerated. In summary, the available evidence is currently insufficient to determine the role of this variant in disease. Therefore, it has been classified as a Variant of Uncertain Significance.

Blueprint Genetics
Classification: Uncertain significance. Last evaluated: 2023-09-14. Review status: criteria provided, single submitter. Criteria: ACMG Guidelines, 2015. Collection method: clinical testing. Allele origin: germline.